The following is an entry in ClinVar:

NM_183357.3(ADCY5):c.106G>A (p.Asp36Asn)

Gene: ADCY5 (adenylate cyclase 5; minus strand). Cytogenetic location: 3q21.1.
Variant type: single nucleotide variant.
Coding change: c.106G>A on transcript NM_183357.3 (MANE Select); coding-DNA position 106, G replaced by A.
Protein change: p.Asp36Asn; replaces aspartic acid 36 with asparagine.
Molecular consequence: missense variant.
Genome position (GRCh38, 1-based): chr3:123,448,440, C>T on the plus strand (G>A on the coding strand, the complement: ADCY5 is on the minus strand). VCF-style: chr3-123448440-C-T. GRCh37 (hg19) VCF-style: chr3-123167287-C-T.
Other names: c.106G>A, p.Asp36Asn (NM_001378259.1); short protein forms D36N.
Identifiers: ClinVar variation 3376904 (VCV003376904.1).

ClinVar aggregate classification (germline): Uncertain significance (1 of 4 stars; one submission).

Conditions:
Dyskinesia with orofacial involvement, autosomal dominant (DSKOD). Also called: Dyskinesia, familial, with facial myokymia; Familial Dyskinesia with Facial Myokymia (FDFM); Familial dyskinesia and facial myokymia. Identifiers: Orphanet 324588, MedGen C1847627, MONDO:0800028, OMIM 606703.

gnomAD v4.1: 31 of 1,329,490 alleles (0.0023%); highest among the groups gnomAD compares: South Asian, 0.053%; no homozygotes.

Submission:

Victorian Clinical Genetics Services, Murdoch Childrens Research Institute
Classification: Uncertain significance for Dyskinesia with orofacial involvement, autosomal dominant. Last evaluated: 2022-03-31. Review status: criteria provided, single submitter. Criteria: ACMG Guidelines, 2015. Collection method: clinical testing. Allele origin: germline. Inheritance: Autosomal dominant inheritance.
Comment: Based on the classification scheme VCGS_Germline_v1.3.4, this variant is classified as VUS-3C. Following criteria are met: 0103 - Loss of function and gain of function are known mechanisms of disease in this gene. Gain of function missense variants have been associated with autosomal dominant dyskinesia with orofacial involvement (MIM#606703). Loss of function variants have been associated with autosomal recessive dyskinesia with orofacial involvement (MIM#619647) and neurodevelopmental disorder with hyperkinetic movements and dyskinesia (MIM#619651). However, a splice variant shown to cause loss of function has been reported in one family with autosomal dominant dyskinesia (PMID: 25521004, PMID: 24700542, PMID: 28971144, PMID: 30975617). (I) 0108 - This gene is associated with both recessive and dominant disease. ADCY5 dyskinesia is typically inherited in an autosomal dominant manner, however autosomal recessive inheritance has been reported (PMID: 25521004, PMID: 28971144, PMID: 30975617). (I) 0200 - Variant is predicted to result in a missense amino acid change from aspartic acid to asparagine. (I) 0251 - This variant is heterozygous. (I) 0302 - Variant is present in gnomAD (v3) <0.001 for a dominant condition (3 heterozygotes, 0 homozygotes). (SP) 0309 - An alternative amino acid change at the same position has been observed in gnomAD (v3) (3 heterozygotes, 0 homozygotes). (I) 0503 - Missense variant consistently predicted to be tolerated by multiple in silico tools or not conserved in placental mammals with a minor amino acid change. (SB) 0600 - Variant is located in the annotated adenylyl cyclase N-terminal extracellular and transmembrane region (NCBI domain, DECIPHER). (I) 0710 - Another missense variant comparable to the one identified in this case has inconclusive previous evidence for pathogenicity. The p.(Asp36Tyr) variant has been reported as a VUS (Global Variome shared LOVD). (I) 0807 - This variant has no previous evidence of pathogenicity. (I) 0905 - No published segregation evidence has been identified for this variant. (I) 1007 - No published functional evidence has been identified for this variant. (I) 1208 - Inheritance information for this variant is not currently available in this individual. (I) Legend: (SP) - Supporting pathogenic, (I) - Information, (SB) - Supporting benign

Literature cited by the submitters: PubMed 24700542; PubMed 25521004; PubMed 28971144; PubMed 30975617.